The following is an entry in ClinVar:

NM_000307.5(POU3F4):c.845G>A (p.Arg282Gln)

Gene: POU3F4 (POU class 3 homeobox 4; plus strand). Cytogenetic location: Xq21.1.
Variant type: single nucleotide variant.
Coding change: c.845G>A on transcript NM_000307.5 (MANE Select); coding-DNA position 845, G replaced by A.
Protein change: p.Arg282Gln; replaces arginine 282 with glutamine.
Molecular consequence: missense variant.
Genome position (GRCh38, 1-based): chrX:83,509,169, G>A. VCF-style: chrX-83509169-G-A. GRCh37 (hg19) VCF-style: chrX-82764177-G-A.
Other names: short protein forms R282Q.
Identifiers: ClinVar variation 2627954 (VCV002627954.2), dbSNP rs1060499806, ClinGen allele CA413752450.

ClinVar aggregate classification (germline): Uncertain significance (1 of 4 stars; one submission).

Conditions:
X-linked mixed hearing loss with perilymphatic gusher. Also called: NANCE DEAFNESS; PERILYMPHATIC GUSHER-DEAFNESS SYNDROME; Gusher syndrome; Deafness, X-linked 2; SENSORINEURAL DEAFNESS, PROFOUND, WITH OR WITHOUT A CONDUCTIVE COMPONENT, ASSOCIATED WITH A UNIQUE DEVELOPMENTAL ABNORMALITY OF THE EAR. Identifiers: Orphanet 383, MedGen C1844678, MONDO:0010576, OMIM 304400.

Submission:

Servicio Canario de Salud, Hospital Universitario Nuestra Sra. de Candelaria
Classification: Uncertain significance for X-linked mixed hearing loss with perilymphatic gusher. Last evaluated: 2023-11-08. Review status: criteria provided, single submitter. Criteria: ACMG Guidelines, 2015. Collection method: clinical testing. Allele origin: germline. Inheritance: X-linked recessive inheritance. Affected: yes.
Comment: This variant is not present in population databases (gnomAD no frequency). To our knowledge, this variant has been reported in two patients with POU3F4 related-disorders (PMID 35189936). In silico analysis (CADD, supports that this missense variant has a deleterious effect on protein structure/function. To date there are no functional/experimental studies that evaluate the impact on protein. In summary, c.845G>A (p.Arg282Gln) POU3F4 variant variant meets our criteria to be classified as Variant of Uncertain Significance.

Literature cited by the submitters: PubMed 35189936.